The following is an entry in ClinVar:

ClinVar aggregate classification (germline): Uncertain significance (1 of 4 stars; one submission).

gnomAD v4.1: 1 of 1,601,992 alleles (0.000062%); highest among the groups gnomAD compares: Non-Finnish European, 0.000085%; no homozygotes.

Submission:

GeneDx
Classification: Uncertain significance. Last evaluated: 2024-11-07. Review status: criteria provided, single submitter. Criteria: GeneDx Variant Classification Process June 2021. Collection method: clinical testing. Allele origin: germline. Affected: yes.
Comment: Not observed at significant frequency in large population cohorts (gnomAD); In silico analysis supports that this missense variant has a deleterious effect on protein structure/function; Has not been previously published as pathogenic or benign to our knowledge

NM_004447.6(EPS8):c.350T>C (p.Ile117Thr)

Gene: EPS8 (EGFR pathway substrate 8, signaling adaptor; minus strand). Cytogenetic location: 12p12.3.
Variant type: single nucleotide variant.
Coding change: c.350T>C on transcript NM_004447.6 (MANE Select); coding-DNA position 350, T replaced by C.
Protein change: p.Ile117Thr; replaces isoleucine 117 with threonine.
Molecular consequence: missense variant. On other transcripts: 5 prime UTR variant (1), non-coding transcript variant (3).
Genome position (GRCh38, 1-based): chr12:15,669,680, A>G on the plus strand (T>C on the coding strand, the complement: EPS8 is on the minus strand). VCF-style: chr12-15669680-A-G. GRCh37 (hg19) VCF-style: chr12-15822614-A-G.
Other names: c.350T>C, p.Ile117Thr (NM_001413831.1, NM_001413832.1, NM_001413833.1 and 3 more transcripts); c.110T>C, p.Ile37Thr (NM_001413835.1, NM_001413836.1); c.-72T>C (NM_001413837.1); short protein forms I117T, I37T.
Identifiers: ClinVar variation 3899040 (VCV003899040.1).
Genomic context (GRCh38, chr12:15,669,680, plus strand): 5'-TGGAGTTTCTTGAAAATAAAATAGTATAAATTTTACACACTTGCCTTTGATTCTAAATCA[A>G]TCAGGCTCACAGCTCTGTCATCCACTTGAAGAATCATATCTTGAGTCCACACTTTGCCCT-3'
Protein context (NP_004438.3, residues 107-127): LQVDDRAVSL[Ile117Thr]DLESKNELEN